The following is an entry in ClinVar:

ClinVar aggregate classification (germline): Uncertain significance (1 of 4 stars; one submission).

Submission:

Institute for Human Genetics, University Hospital Essen
Classification: Uncertain significance. Last evaluated: 2025-11-27. Review status: criteria provided, single submitter. Criteria: Submitter's publication. Collection method: clinical testing. Allele origin: germline. Inheritance: Autosomal unknown. Affected: yes. Observed: 1 variant allele, 1 compound heterozygote.
Comment: PM3 (criteria rationale detailed in Leitão et al. Nature Genetics 2026)

NR_199791.1(RNU2-2):n.145A>G

Genes: RNU2-2 (RNA, U2 small nuclear 2; minus strand), WDR74 (WD repeat domain 74; minus strand). Cytogenetic location: 11q12.3.
Variant type: single nucleotide variant.
Molecular consequence: non-coding transcript variant (on NR_199791.1). On other transcripts: 5 prime UTR variant (1).
Genome position: GRCh38 VCF-style: chr11-62841665-T-C. GRCh37 (hg19) VCF-style: chr11-62609137-T-C.
Other names: c.-394A>G (NM_001369451.1).
Identifiers: ClinVar variation 4540527 (VCV004540527.1).